The following is an entry in ClinVar:

ClinVar aggregate classification (germline): Conflicting classifications of pathogenicity. Review status: criteria provided, conflicting classifications (1 of 4 stars). 2 submissions from 2 submitters: Uncertain significance (1); Likely benign (1). Last evaluated 2025-04-14.

Conditions:
Inborn genetic diseases. Identifiers: MedGen C0950123, MeSH D030342.

Allele frequency attached by ClinVar (database versions not stated): ExAC 0.00002; gnomAD exomes 0.00004; gnomAD 0.00003; TOPMed 0.00002.
gnomAD v4.1: 55 of 1,614,114 alleles (0.0034%); highest among the groups gnomAD compares: Non-Finnish European, 0.0044%; no homozygotes.

Submissions (2):

Labcorp Genetics (formerly Invitae), Labcorp
Classification: Uncertain significance. Last evaluated: 2025-04-14. Review status: criteria provided, single submitter. Criteria: Invitae Variant Classification Sherloc (09022015). Collection method: clinical testing. Allele origin: germline.
Comment: This sequence change replaces valine, which is neutral and non-polar, with isoleucine, which is neutral and non-polar, at codon 1125 of the NLRP1 protein (p.Val1125Ile). This variant is present in population databases (rs201871081, gnomAD 0.004%). This variant has not been reported in the literature in individuals affected with NLRP1-related conditions. ClinVar contains an entry for this variant (Variation ID: 2223201). An algorithm developed to predict the effect of missense changes on protein structure and function outputs the following: PolyPhen-2: "Benign". The isoleucine amino acid residue is found in multiple mammalian species, which suggests that this missense change does not adversely affect protein function. In summary, the available evidence is currently insufficient to determine the role of this variant in disease. Therefore, it has been classified as a Variant of Uncertain Significance.

Ambry Genetics
Classification: Likely benign for Inborn genetic diseases. Last evaluated: 2022-03-03. Review status: criteria provided, single submitter. Criteria: Ambry Variant Classification Scheme 2023. Collection method: clinical testing. Allele origin: germline.

NM_033004.4(NLRP1):c.3373G>A (p.Val1125Ile)

Gene: NLRP1 (NLR family pyrin domain containing 1; minus strand). Cytogenetic location: 17p13.2.
Variant type: single nucleotide variant.
Coding change: c.3373G>A on transcript NM_033004.4 (MANE Select); coding-DNA position 3373, G replaced by A.
Protein change: p.Val1125Ile; replaces valine 1125 with isoleucine.
Molecular consequence: missense variant.
Genome position (GRCh38, 1-based): chr17:5,530,628, C>T on the plus strand (G>A on the coding strand, the complement: NLRP1 is on the minus strand). VCF-style: chr17-5530628-C-T. GRCh37 (hg19) VCF-style: chr17-5433948-C-T.
Other names: c.3385G>A, p.Val1129Ile (NM_001033053.3); c.3373G>A, p.Val1125Ile (NM_014922.5); c.3283G>A, p.Val1095Ile (NM_033006.4, NM_033007.4); short protein forms V1129I, V1125I, V1095I.
Identifiers: ClinVar variation 2223201 (VCV002223201.5), dbSNP rs201871081, ClinGen allele CA8326842.